The following is an entry in ClinVar:

ClinVar aggregate classification (germline): Uncertain significance (1 of 4 stars; one submission).

gnomAD v4.1: 1 of 1,603,798 alleles (0.000062%); highest among the groups gnomAD compares: East Asian, 0.0022%; no homozygotes.

Submission:

Labcorp Genetics (formerly Invitae), Labcorp
Classification: Uncertain significance. Last evaluated: 2024-12-10. Review status: criteria provided, single submitter. Criteria: Invitae Variant Classification Sherloc (09022015). Collection method: clinical testing. Allele origin: germline.
Comment: This sequence change falls in intron 3 of the CDH2 gene. It does not directly change the encoded amino acid sequence of the CDH2 protein. It affects a nucleotide within the consensus splice site. This variant is present in population databases (rs200097118, gnomAD 0.006%). This variant has not been reported in the literature in individuals affected with CDH2-related conditions. Variants that disrupt the consensus splice site are a relatively common cause of aberrant splicing (PMID: 17576681, 9536098). Algorithms developed to predict the effect of sequence changes on RNA splicing suggest that this variant is not likely to affect RNA splicing. In summary, the available evidence is currently insufficient to determine the role of this variant in disease. Therefore, it has been classified as a Variant of Uncertain Significance.

Literature cited by the submitters: PubMed 17576681; PubMed 9536098.

NM_001792.5(CDH2):c.399+6G>C

Gene: CDH2 (cadherin 2; minus strand). Cytogenetic location: 18q12.1.
Variant type: single nucleotide variant.
Coding change: c.399+6G>C on transcript NM_001792.5 (MANE Select); 6 bases into the intron after coding-DNA position 399, G replaced by C.
Molecular consequence: intron variant.
Genome position (GRCh38, 1-based): chr18:28,013,677, C>G on the plus strand (G>C on the coding strand, the complement: CDH2 is on the minus strand). VCF-style: chr18-28013677-C-G. GRCh37 (hg19) VCF-style: chr18-25593641-C-G.
Other names: c.306+6G>C (NM_001308176.2).
Identifiers: ClinVar variation 3683468 (VCV003683468.2).
Genomic context (GRCh38, chr18:28,013,677, plus strand): 5'-ATATTTAGTTCAAACTGTATAAAGCTGATTTTTAACCAGCCCTAAAGCCATATTCGGATA[C>G]TATACCTTCACTGACTCCTCAGTTAAGGTTGGCTTCAGGCTCAATTTTACTGCCACTTGC-3'